The following is an entry in ClinVar:

NM_003072.5(SMARCA4):c.3446A>G (p.Tyr1149Cys)

Gene: SMARCA4 (SWI/SNF related BAF chromatin remodeling complex subunit ATPase 4; plus strand). Cytogenetic location: 19p13.2.
Variant type: single nucleotide variant.
Coding change: c.3446A>G on transcript NM_003072.5 (MANE Select); coding-DNA position 3446, A replaced by G.
Protein change: p.Tyr1149Cys; replaces tyrosine 1149 with cysteine.
Molecular consequence: missense variant. On other transcripts: non-coding transcript variant (1).
Genome position (GRCh38, 1-based): chr19:11,030,793, A>G. VCF-style: chr19-11030793-A-G. GRCh37 (hg19) VCF-style: chr19-11141469-A-G.
Other names: c.3446A>G, p.Tyr1149Cys (NM_001128844.3, NM_001128845.2, NM_001128846.2 and 4 more transcripts); short protein forms Y1149C.
Identifiers: ClinVar variation 1025588 (VCV001025588.8), dbSNP rs2074875260, ClinGen allele CA404062853.

ClinVar aggregate classification (germline): Uncertain significance (1 of 4 stars; one submission).

Conditions:
Rhabdoid tumor predisposition syndrome 2 (RTPS2). Identifiers: Orphanet 231108, Orphanet 69077, MedGen C2750074, MONDO:0013224, OMIM 613325.

Submission:

Labcorp Genetics (formerly Invitae), Labcorp
Classification: Uncertain significance for Rhabdoid tumor predisposition syndrome 2. Last evaluated: 2024-03-06. Review status: criteria provided, single submitter. Criteria: Invitae Variant Classification Sherloc (09022015). Collection method: clinical testing. Allele origin: germline.
Comment: This sequence change replaces tyrosine, which is neutral and polar, with cysteine, which is neutral and slightly polar, at codon 1149 of the SMARCA4 protein (p.Tyr1149Cys). This variant is not present in population databases (gnomAD no frequency). This variant has not been reported in the literature in individuals affected with SMARCA4-related conditions. ClinVar contains an entry for this variant (Variation ID: 1025588). Advanced modeling of protein sequence and biophysical properties (such as structural, functional, and spatial information, amino acid conservation, physicochemical variation, residue mobility, and thermodynamic stability) performed at Invitae indicates that this missense variant is expected to disrupt SMARCA4 protein function with a positive predictive value of 95%. In summary, the available evidence is currently insufficient to determine the role of this variant in disease. Therefore, it has been classified as a Variant of Uncertain Significance.